The following is an entry in ClinVar:

ClinVar aggregate classification (germline): Uncertain significance. Review status: criteria provided, multiple submitters, no conflicts (2 of 4 stars). 2 submissions from 2 submitters: Uncertain significance (2). Last evaluated 2025-09-02.

Conditions:
Inborn genetic diseases. Identifiers: MedGen C0950123, MeSH D030342.
Intellectual developmental disorder, autosomal dominant 6, with or without seizures. Also called: Intellectual disability, autosomal dominant 6; GRIN2B-related developmental delay, intellectual disability and autism spectrum disorder. Identifiers: Orphanet 589547, MedGen C3151411, MONDO:0013509, OMIM 613970.
Developmental and epileptic encephalopathy, 27 (DEE27). Also called: Epileptic encephalopathy, early infantile, 27; GRIN2B-Related Neurodevelopmental Disorder. Identifiers: Orphanet 3451, MedGen C4015316, MONDO:0014505, OMIM 616139.

gnomAD v4.1: 1 of 1,613,806 alleles (0.000062%); highest among the groups gnomAD compares: Non-Finnish European, 0.000085%; no homozygotes.

Submissions (2):

Labcorp Genetics (formerly Invitae), Labcorp
Classification: Uncertain significance for Developmental and epileptic encephalopathy, 27; Intellectual developmental disorder, autosomal dominant 6, with or without seizures. Last evaluated: 2025-09-02. Review status: criteria provided, single submitter. Criteria: Invitae Variant Classification Sherloc (09022015). Collection method: clinical testing. Allele origin: germline.
Comment: This sequence change replaces alanine, which is neutral and non-polar, with valine, which is neutral and non-polar, at codon 704 of the GRIN2B protein (p.Ala704Val). This variant is not present in population databases (gnomAD no frequency). This variant has not been reported in the literature in individuals affected with GRIN2B-related conditions. ClinVar contains an entry for this variant (Variation ID: 1496818). Invitae Evidence Modeling of protein sequence and biophysical properties (such as structural, functional, and spatial information, amino acid conservation, physicochemical variation, residue mobility, and thermodynamic stability) has been performed for this missense variant. However, the output from this modeling did not meet the statistical confidence thresholds required to predict the impact of this variant on GRIN2B protein function. In summary, the available evidence is currently insufficient to determine the role of this variant in disease. Therefore, it has been classified as a Variant of Uncertain Significance.

Ambry Genetics
Classification: Uncertain significance for Inborn genetic diseases. Last evaluated: 2020-02-24. Review status: criteria provided, single submitter. Criteria: Ambry Variant Classification Scheme 2023. Collection method: clinical testing. Allele origin: germline.
Comment: The p.A704V variant (also known as c.2111C>T), located in coding exon 9 of the GRIN2B gene, results from a C to T substitution at nucleotide position 2111. The alanine at codon 704 is replaced by valine, an amino acid with similar properties. This amino acid position is not well conserved in available vertebrate species. In addition, this alteration is predicted to be tolerated by in silico analysis. Since supporting evidence is limited at this time, the clinical significance of this alteration remains unclear.

NM_000834.5(GRIN2B):c.2111C>T (p.Ala704Val)

Gene: GRIN2B (glutamate ionotropic receptor NMDA type subunit 2B; minus strand). Cytogenetic location: 12p13.1.
Variant type: single nucleotide variant.
Coding change: c.2111C>T on transcript NM_000834.5 (MANE Select); coding-DNA position 2111, C replaced by T.
Protein change: p.Ala704Val; replaces alanine 704 with valine.
Molecular consequence: missense variant.
Genome position (GRCh38, 1-based): chr12:13,571,864, G>A on the plus strand (C>T on the coding strand, the complement: GRIN2B is on the minus strand). VCF-style: chr12-13571864-G-A. GRCh37 (hg19) VCF-style: chr12-13724798-G-A.
Other names: short protein forms A704V.
Identifiers: ClinVar variation 1496818 (VCV001496818.8), dbSNP rs2136415760, ClinGen allele CA383999172.